The following is an entry in ClinVar:

ClinVar aggregate classification (germline): Uncertain significance (1 of 4 stars; one submission).

Submission:

Dasa
Classification: Uncertain significance. Last evaluated: 2026-02-06. Review status: criteria provided, single submitter. Criteria: DASA Assertion Criteria. Collection method: clinical testing. Allele origin: germline.
Comment: NM_003839.4(TNFRSF11A):c.1592C>G (p.Ser531Cys) is a missense variant that results in the substitution of serine with cysteine. This variant is rare in population databases. The currently available literature and clinical evidence are not sufficient to establish a definitive association between this variant and the reported condition. Therefore, this variant is classified as a variant of uncertain significance.

NM_003839.4(TNFRSF11A):c.1592C>G (p.Ser531Cys)

Gene: TNFRSF11A (TNF receptor superfamily member 11a; plus strand). Cytogenetic location: 18q21.33.
Variant type: single nucleotide variant.
Coding change: c.1592C>G on transcript NM_003839.4 (MANE Select); coding-DNA position 1592, C replaced by G.
Protein change: p.Ser531Cys; replaces serine 531 with cysteine.
Molecular consequence: missense variant. On other transcripts: 3 prime UTR variant (1).
Genome position (GRCh38, 1-based): chr18:62,384,775, C>G. VCF-style: chr18-62384775-C-G. GRCh37 (hg19) VCF-style: chr18-60052008-C-G.
Other names: c.*16C>G (NM_001270949.2); c.755C>G, p.Ser252Cys (NM_001270950.2); c.641C>G, p.Ser214Cys (NM_001270951.2); c.1550C>G, p.Ser517Cys (NM_001278268.2); short protein forms S214C, S252C, S517C, S531C.
Identifiers: ClinVar variation 4883499 (VCV004883499.2).